The following is an entry in ClinVar:

ClinVar aggregate classification (germline): Pathogenic (1 of 4 stars; one submission).

Submission:

GeneDx
Classification: Pathogenic. Last evaluated: 2018-03-16. Review status: criteria provided, single submitter. Criteria: GeneDx Variant Classification (06012015). Collection method: clinical testing. Allele origin: germline. Affected: yes.
Comment: The c.1925dupC variant in the IQSEC2 gene has not been reported previously as a pathogenic variant nor as a benign variant, to our knowledge. The c.1925dupC variant causes a frameshift starting with codon Isoleucine 643, changes this amino acid to an Aspartic acid residue, and creates a premature Stop codon at position 10 of the new reading frame, denoted p.Ile643AspfsX10. This variant is predicted to cause loss of normal protein function either through protein truncation or nonsense-mediated mRNA decay. The c.1925dupC variant is not observed in large population cohorts (Lek et al., 2016).

NM_001111125.3(IQSEC2):c.1925dup (p.Ile643fs)

Gene: IQSEC2 (IQ motif and Sec7 domain ArfGEF 2; minus strand). Cytogenetic location: Xp11.22.
Variant type: Duplication.
Coding change: c.1925dup on transcript NM_001111125.3 (MANE Select); coding-DNA position 1925, one base duplicated (C; older notation c.1925dupC).
Protein change: p.Ile643fs; shifts the reading frame from isoleucine 643.
Molecular consequence: frameshift variant.
Genome position (GRCh38, 1-based): chrX:53,250,651, G duplicated on the plus strand (C on the coding strand, the reverse complement: IQSEC2 is on the minus strand); the first of 4 consecutive G bases (chrX:53,250,651-53,250,654); duplicating any one gives the same sequence. VCF-style (leftmost placement, unchanged base first): chrX-53250650-C-CG. GRCh37 (hg19) VCF-style: chrX-53279832-C-CG.
Other names: c.1310dup, p.Ile438fs (NM_015075.2); short protein forms I438fs, I643fs.
Identifiers: ClinVar variation 524027 (VCV000524027.2), dbSNP rs1556863165, ClinGen allele CA658799750.
Genomic context (GRCh38, chrX:53,250,650, plus strand): 5'-CAGGGGCCCTGGTGGGGCTGGGGCTGGGCCTTCAGGGGCTGGGTAGTGGCGGTGTGGGAT[C>CG]GGGGCCCTGCCTGGTGGCCCCTTGTGCTTCAGGGTCCCATGGGGGCTGCAGCCATCAGCC-3'